The following is an entry in ClinVar:

ClinVar aggregate classification (germline): Uncertain significance (1 of 4 stars; one submission).

Allele frequency attached by ClinVar (database versions not stated): TOPMed 0.00002; gnomAD 0.00003; gnomAD exomes 0.00004; ExAC 0.00008.
gnomAD v4.1: 59 of 1,593,454 alleles (0.0037%); highest among the groups gnomAD compares: East Asian, 0.0067%; no homozygotes.

Submission:

Labcorp Genetics (formerly Invitae), Labcorp
Classification: Uncertain significance. Last evaluated: 2023-08-16. Review status: criteria provided, single submitter. Criteria: Invitae Variant Classification Sherloc (09022015). Collection method: clinical testing. Allele origin: germline.
Comment: This sequence change replaces arginine, which is basic and polar, with tryptophan, which is neutral and slightly polar, at codon 276 of the NAA15 protein (p.Arg276Trp). This variant is present in population databases (rs766494727, gnomAD 0.01%). This missense change has been observed in individual(s) with autism spectrum disorder, congenital heart disease (PMID: 30564305, 33557580). An algorithm developed to predict the effect of missense changes on protein structure and function (PolyPhen-2) suggests that this variant is likely to be disruptive. Experimental studies have shown that this missense change affects NAA15 function (PMID: 33557580). In summary, the available evidence is currently insufficient to determine the role of this variant in disease. Therefore, it has been classified as a Variant of Uncertain Significance.

Literature cited by the submitters: PubMed 30564305; PubMed 33557580.

NM_057175.5(NAA15):c.826C>T (p.Arg276Trp)

Gene: NAA15 (N-alpha-acetyltransferase 15, NatA auxiliary subunit; plus strand). Cytogenetic location: 4q31.1.
Variant type: single nucleotide variant.
Coding change: c.826C>T on transcript NM_057175.5 (MANE Select); coding-DNA position 826, C replaced by T.
Protein change: p.Arg276Trp; replaces arginine 276 with tryptophan.
Molecular consequence: missense variant.
Genome position (GRCh38, 1-based): chr4:139,351,205, C>T. VCF-style: chr4-139351205-C-T. GRCh37 (hg19) VCF-style: chr4-140272359-C-T.
Other names: c.826C>T, p.Arg276Trp (NM_001410842.1, NM_025085.2); short protein forms R276W.
Identifiers: ClinVar variation 2915408 (VCV002915408.3), dbSNP rs766494727, ClinGen allele CA3083488.